The following is an entry in ClinVar:

ClinVar aggregate classification (germline): Likely pathogenic (1 of 4 stars; one submission).

Conditions:
Nemaline myopathy 2 (NEM2). Also called: Nemaline myopathy 2, autosomal recessive. Identifiers: MedGen C1850569, MONDO:0009725, OMIM 256030.

Submission:

Myriad Genetics, Inc.
Classification: Likely pathogenic for Nemaline myopathy 2. Last evaluated: 2022-01-23. Review status: criteria provided, single submitter. Criteria: Myriad Women's Health Autosomal Recessive and X-Linked Classification Criteria (2021). Collection method: clinical testing. Allele origin: unknown.
Comment: NM_001271208.1(NEB):c.4545_4546ins7(Y1516Vfs*6) is expected to be pathogenic in the context of NEB-related nemaline myopathy. This variant is predicted to lead to an abnormal or absent protein product due to the creation of a premature termination codon in NEB, a gene where loss-of-function variants are known to be pathogenic. Please note: this variant was assessed in the context of healthy population screening.

NM_001164508.2(NEB):c.4545_4546insGTTATTT (p.Tyr1516fs)

Gene: NEB (nebulin; minus strand). Cytogenetic location: 2q23.3.
Variant type: Insertion.
Coding change: c.4545_4546insGTTATTT on transcript NM_001164508.2 (MANE Select); coding-DNA positions 4545 to 4546, GTTATTT inserted.
Protein change: p.Tyr1516fs; shifts the reading frame from tyrosine 1516.
Molecular consequence: frameshift variant.
Genome position: GRCh38 VCF-style: chr2-151669092-A-AAAATAAC. GRCh37 (hg19) VCF-style: chr2-152525606-A-AAAATAAC.
Other names: c.4545_4546insGTTATTT, p.Tyr1516fs (NM_001164507.2, NM_001271208.2, NM_004543.5); short protein forms Y1516fs.
Identifiers: ClinVar variation 1724022 (VCV001724022.2), dbSNP rs2552259332, ClinGen allele CA2580064027.